The following is an entry in ClinVar:

ClinVar aggregate classification (germline): Likely benign. Review status: criteria provided, multiple submitters, no conflicts (2 of 4 stars). 2 submissions from 2 submitters: Likely benign (2). Last evaluated 2025-11-08.

Conditions:
Charcot-Marie-Tooth disease type 4. Also called: Charcot-Marie-Tooth disease, type IV; Charcot-Marie-Tooth, Type 4. Identifiers: Orphanet 64749, MedGen C4082197, MONDO:0018995.
SH3TC2-related disorder. Also called: SH3TC2-related disorders; SH3TC2-related condition. Identifiers: MedGen CN239303.

Allele frequency attached by ClinVar (database versions not stated): gnomAD 0.00007 and 0.00009; TOPMed 0.00010.
gnomAD v4.1: 20 of 1,614,070 alleles (0.0012%); highest among the groups gnomAD compares: African/African-American, 0.011%; no homozygotes.

Submissions (2):

Labcorp Genetics (formerly Invitae), Labcorp
Classification: Likely benign for Charcot-Marie-Tooth disease type 4. Last evaluated: 2025-11-08. Review status: criteria provided, single submitter. Criteria: Invitae Variant Classification Sherloc (09022015). Collection method: clinical testing. Allele origin: germline.

PreventionGenetics, part of Exact Sciences
Classification: Likely benign for SH3TC2-related condition. Last evaluated: 2025-10-23. Review status: criteria provided, single submitter. Criteria: ACMG Guidelines, 2015. Collection method: clinical testing. Allele origin: germline.
Comment: This variant is classified as likely benign based on ACMG/AMP sequence variant interpretation guidelines (Richards et al. 2015 PMID: 25741868, with internal and published modifications).

NM_024577.4(SH3TC2):c.3459C>G (p.Ala1153=)

Gene: SH3TC2 (SH3 domain and tetratricopeptide repeats 2; minus strand). Cytogenetic location: 5q32.
Variant type: single nucleotide variant.
Coding change: c.3459C>G on transcript NM_024577.4 (MANE Select); coding-DNA position 3459, C replaced by G.
Protein change: p.Ala1153=; no amino-acid change (alanine 1153 retained).
Molecular consequence: synonymous variant.
Genome position (GRCh38, 1-based): chr5:149,008,870, G>C on the plus strand (C>G on the coding strand, the complement: SH3TC2 is on the minus strand). VCF-style: chr5-149008870-G-C. GRCh37 (hg19) VCF-style: chr5-148388433-G-C.
Identifiers: ClinVar variation 698757 (VCV000698757.11), dbSNP rs1030348232, ClinGen allele CA128997531.
Genomic context (GRCh38, chr5:149,008,870, plus strand): 5'-ACCCCTCTCATTCAACACACCCAATAGTGAAGACCACCCACCTGTGACTGTGCTGAGCCT[G>C]GCGGCCAGGGTGGCAAATTCCAAAGCCTTCTCATAGCCTTCGAGGCTAATCTGCAGCTCT-3'
Protein context (NP_078853.2, residues 1143-1163): EKALEFATLA[Ala1153=]RLSTVTGDQR